The following is an entry in ClinVar:

NM_002968.3(SALL1):c.1405C>T (p.Arg469Cys)

Gene: SALL1 (spalt like transcription factor 1; minus strand). Cytogenetic location: 16q12.1.
Variant type: single nucleotide variant.
Coding change: c.1405C>T on transcript NM_002968.3 (MANE Select); coding-DNA position 1405, C replaced by T.
Protein change: p.Arg469Cys; replaces arginine 469 with cysteine.
Molecular consequence: missense variant.
Genome position (GRCh38, 1-based): chr16:51,140,817, G>A on the plus strand (C>T on the coding strand, the complement: SALL1 is on the minus strand). VCF-style: chr16-51140817-G-A. GRCh37 (hg19) VCF-style: chr16-51174728-G-A.
Other names: c.1114C>T, p.Arg372Cys (NM_001127892.2); short protein forms R469C, R372C.
Identifiers: ClinVar variation 388298 (VCV000388298.3), dbSNP rs1057523061, ClinGen allele CA16607315.

ClinVar aggregate classification (germline): Uncertain significance (1 of 4 stars; one submission).

Allele frequency attached by ClinVar (database versions not stated): gnomAD exomes below 0.00001.

Submission:

GeneDx
Classification: Uncertain significance. Last evaluated: 2023-03-28. Review status: criteria provided, single submitter. Criteria: GeneDx Variant Classification Process June 2021. Collection method: clinical testing. Allele origin: germline. Affected: yes.
Comment: Not observed at significant frequency in large population cohorts (gnomAD); In silico analysis supports that this missense variant has a deleterious effect on protein structure/function; Has not been previously published as pathogenic or benign to our knowledge